The following is an entry in ClinVar:

NM_001282933.2(ZNF341):c.1171G>A (p.Val391Ile)

Gene: ZNF341 (zinc finger protein 341; plus strand). Cytogenetic location: 20q11.22.
Variant type: single nucleotide variant.
Coding change: c.1171G>A on transcript NM_001282933.2 (MANE Select); coding-DNA position 1171, G replaced by A.
Protein change: p.Val391Ile; replaces valine 391 with isoleucine.
Molecular consequence: missense variant. On other transcripts: non-coding transcript variant (1).
Genome position (GRCh38, 1-based): chr20:33,762,004, G>A. VCF-style: chr20-33762004-G-A. GRCh37 (hg19) VCF-style: chr20-32349810-G-A.
Other names: c.1150G>A (NM_032819.3); c.901G>A, p.Val301Ile (NM_001282935.2); c.1150G>A, p.Val384Ile (NM_032819.5); short protein forms V391I, V301I, V384I.
Identifiers: ClinVar variation 1414743 (VCV001414743.6), dbSNP rs1372395743, ClinGen allele CA408654877.

ClinVar aggregate classification (germline): Uncertain significance. Review status: criteria provided, multiple submitters, no conflicts (2 of 4 stars). 2 submissions from 2 submitters: Uncertain significance (2). Last evaluated 2025-09-26.

Allele frequency attached by ClinVar (database versions not stated): gnomAD 0.00001.
gnomAD v4.1: 22 of 1,602,944 alleles (0.0014%); highest among the groups gnomAD compares: East Asian, 0.0022%; no homozygotes.

Submissions (2):

Ambry Genetics
Classification: Uncertain significance. Last evaluated: 2025-09-26. Review status: criteria provided, single submitter. Criteria: Ambry Variant Classification Scheme 2023. Collection method: clinical testing. Allele origin: germline.

Labcorp Genetics (formerly Invitae), Labcorp
Classification: Uncertain significance. Last evaluated: 2021-09-01. Review status: criteria provided, single submitter. Criteria: Invitae Variant Classification Sherloc (09022015). Collection method: clinical testing. Allele origin: germline.
Comment: This sequence change replaces valine with isoleucine at codon 384 of the ZNF341 protein (p.Val384Ile). The valine residue is highly conserved and there is a small physicochemical difference between valine and isoleucine. This variant is not present in population databases (ExAC no frequency). This variant has not been reported in the literature in individuals affected with ZNF341-related conditions. Algorithms developed to predict the effect of missense changes on protein structure and function are either unavailable or do not agree on the potential impact of this missense change (SIFT: "Deleterious"; PolyPhen-2: "Possibly Damaging"; Align-GVGD: "Class C0"). In summary, the available evidence is currently insufficient to determine the role of this variant in disease. Therefore, it has been classified as a Variant of Uncertain Significance.